The following is an entry in ClinVar:

NM_213720.3(CHCHD10):c.89C>G (p.Ser30Trp)

Gene: CHCHD10 (coiled-coil-helix-coiled-coil-helix domain containing 10; minus strand). Cytogenetic location: 22q11.23.
Variant type: single nucleotide variant.
Coding change: c.89C>G on transcript NM_213720.3 (MANE Select); coding-DNA position 89, C replaced by G.
Protein change: p.Ser30Trp; replaces serine 30 with tryptophan.
Molecular consequence: missense variant.
Genome position (GRCh38, 1-based): chr22:23,767,546, G>C on the plus strand (C>G on the coding strand, the complement: CHCHD10 is on the minus strand). VCF-style: chr22-23767546-G-C. GRCh37 (hg19) VCF-style: chr22-24109733-G-C.
Other names: c.89C>G, p.Ser30Trp (NM_001301339.2); short protein forms S30W.
Identifiers: ClinVar variation 3760653 (VCV003760653.2).

ClinVar aggregate classification (germline): Uncertain significance (1 of 4 stars; one submission).

Conditions:
Lower motor neuron syndrome with late-adult onset (SMAJ). Also called: Late-Onset Spinal Motor Neuronopathy (SMAJ); Spinal muscular atrophy, Jokela type. Identifiers: Orphanet 276435, MedGen C3554398, MONDO:0014025, OMIM 615048.
Autosomal dominant mitochondrial myopathy with exercise intolerance (IMMD). Also called: Myopathy, isolated mitochondrial, autosomal dominant. Identifiers: Orphanet 457050, MedGen C4015513, MONDO:0014532, OMIM 616209.
Frontotemporal dementia and/or amyotrophic lateral sclerosis 2. Also called: FTDALS2. Identifiers: Orphanet 275872, MedGen C4014648, MONDO:0014395, OMIM 615911.

Submission:

Labcorp Genetics (formerly Invitae), Labcorp
Classification: Uncertain significance for Lower motor neuron syndrome with late-adult onset; Frontotemporal dementia and/or amyotrophic lateral sclerosis 2; Autosomal dominant mitochondrial myopathy with exercise intolerance. Last evaluated: 2026-01-25. Review status: criteria provided, single submitter. Criteria: Invitae Variant Classification Sherloc (09022015). Collection method: clinical testing. Allele origin: germline.
Comment: This sequence change replaces serine, which is neutral and polar, with tryptophan, which is neutral and slightly polar, at codon 30 of the CHCHD10 protein (p.Ser30Trp). This variant is not present in population databases (gnomAD no frequency). This variant has not been reported in the literature in individuals affected with CHCHD10-related conditions. ClinVar contains an entry for this variant (Variation ID: 3760653). Experimental studies and prediction algorithms are not available or were not evaluated, and the functional significance of this variant is currently unknown. In summary, the available evidence is currently insufficient to determine the role of this variant in disease. Therefore, it has been classified as a Variant of Uncertain Significance.